The following is an entry in ClinVar:

NM_004638.4(PRRC2A):c.4688G>A (p.Arg1563Gln)

Gene: PRRC2A (proline rich coiled-coil 2A; plus strand). Cytogenetic location: 6p21.33.
Variant type: single nucleotide variant.
Coding change: c.4688G>A on transcript NM_004638.4 (MANE Select); coding-DNA position 4688, G replaced by A.
Protein change: p.Arg1563Gln; replaces arginine 1563 with glutamine.
Molecular consequence: missense variant.
Genome position (GRCh38, 1-based): chr6:31,633,958, G>A. VCF-style: chr6-31633958-G-A. GRCh37 (hg19) VCF-style: chr6-31601735-G-A.
Other names: c.4688G>A, p.Arg1563Gln (NM_080686.3); short protein forms R1563Q.
Identifiers: ClinVar variation 3055859 (VCV003055859.2), dbSNP rs11538263, ClinGen allele CA3716307.
Genomic context (GRCh38, chr6:31,633,958, plus strand): 5'-TGGGTGGGACTCCTCGGGACTCTGCCGGGGTTAGTCCCTTTCCCCCTAAACGTCGGGAGC[G>A]GCCTCCCAGAAAACCAGAGCTGCTACAGGAGGTAAGGGATGGGTTTGAGATTGTGCTTCA-3'
Protein context (NP_004629.3, residues 1553-1573): VSPFPPKRRE[Arg1563Gln]PPRKPELLQE

ClinVar aggregate classification (germline): Benign (0 of 4 stars; one submission).

Conditions:
PRRC2A-related disorder. Also called: PRRC2A-related condition.

Allele frequency attached by ClinVar (database versions not stated): 1000 Genomes Project 0.01358; 1000 Genomes Project 30x 0.01405; TOPMed 0.02719; ESP Exome Variant Server 0.02966; gnomAD 0.03000; ExAC 0.03276; gnomAD exomes 0.03994.
gnomAD v4.1: 62,232 of 1,603,436 alleles (3.9%); highest among the groups gnomAD compares: Non-Finnish European, 4.5%; 1,379 homozygotes.

Submission:

PreventionGenetics, part of Exact Sciences
Classification: Benign for PRRC2A-related condition. Last evaluated: 2019-02-27. Review status: no assertion criteria provided. Collection method: clinical testing. Allele origin: germline.
Comment: This variant is classified as benign based on ACMG/AMP sequence variant interpretation guidelines (Richards et al. 2015 PMID: 25741868, with internal and published modifications).